The following is an entry in ClinVar:

NM_053025.4(MYLK):c.209G>A (p.Gly70Glu)

Gene: MYLK (myosin light chain kinase; minus strand). Cytogenetic location: 3q21.1.
Variant type: single nucleotide variant.
Coding change: c.209G>A on transcript NM_053025.4 (MANE Select); coding-DNA position 209, G replaced by A.
Protein change: p.Gly70Glu; replaces glycine 70 with glutamic acid.
Molecular consequence: missense variant. On other transcripts: intron variant (1).
Genome position (GRCh38, 1-based): chr3:123,752,495, C>T on the plus strand (G>A on the coding strand, the complement: MYLK is on the minus strand). VCF-style: chr3-123752495-C-T. GRCh37 (hg19) VCF-style: chr3-123471342-C-T.
Other names: c.209G>A, p.Gly70Glu (NM_053026.4, NM_053027.4, NM_053028.4); c.-155-12494G>A (NM_001321309.2); short protein forms G70E.
Identifiers: ClinVar variation 1785865 (VCV001785865.2), dbSNP rs2474744010, ClinGen allele CA354245114.
Genomic context (GRCh38, chr3:123,752,495, plus strand): 5'-CTGAAAGTCCCCCGGATGCCGCAATCCAGCAGGAAGCGGCCCCCGCTGGTGATGGGTTGC[C>T]CGTTTCTGTGCCATGTCACCTGGGGCTCTGGGTAACCCCGGACCTTCAAGAAAAAGAAGA-3'
Protein context (NP_444253.3, residues 60-80): PEPQVTWHRN[Gly70Glu]QPITSGGRFL

ClinVar aggregate classification (germline): Uncertain significance (1 of 4 stars; one submission).

Conditions:
Familial thoracic aortic aneurysm and aortic dissection (TAAD). Also called: Thoracic aortic aneurysms and dissections. Identifiers: Orphanet 91387, MedGen C4707243, MONDO:0019625.

Submission:

Ambry Genetics
Classification: Uncertain significance for Familial thoracic aortic aneurysm and aortic dissection. Last evaluated: 2021-07-08. Review status: criteria provided, single submitter. Criteria: Ambry Variant Classification Scheme 2023. Collection method: clinical testing. Allele origin: germline.
Comment: The p.G70E variant (also known as c.209G>A), located in coding exon 2 of the MYLK gene, results from a G to A substitution at nucleotide position 209. The glycine at codon 70 is replaced by glutamic acid, an amino acid with similar properties. This amino acid position is conserved. In addition, this alteration is predicted to be tolerated by in silico analysis. Since supporting evidence is limited at this time, the clinical significance of this alteration remains unclear.